The following is an entry in ClinVar:

ClinVar aggregate classification (germline): Uncertain significance (1 of 4 stars; one submission).

Submission:

Labcorp Genetics (formerly Invitae), Labcorp
Classification: Uncertain significance. Last evaluated: 2024-04-11. Review status: criteria provided, single submitter. Criteria: Invitae Variant Classification Sherloc (09022015). Collection method: clinical testing. Allele origin: germline.
Comment: This sequence change replaces alanine, which is neutral and non-polar, with glycine, which is neutral and non-polar, at codon 51 of the CYCS protein (p.Ala51Gly). This variant is not present in population databases (gnomAD no frequency). This variant has not been reported in the literature in individuals affected with CYCS-related conditions. An algorithm developed to predict the effect of missense changes on protein structure and function (PolyPhen-2) suggests that this variant is likely to be tolerated. In summary, the available evidence is currently insufficient to determine the role of this variant in disease. Therefore, it has been classified as a Variant of Uncertain Significance.

NM_018947.6(CYCS):c.152C>G (p.Ala51Gly)

Gene: CYCS (cytochrome c, somatic; minus strand). Cytogenetic location: 7p15.3.
Variant type: single nucleotide variant.
Coding change: c.152C>G on transcript NM_018947.6 (MANE Select); coding-DNA position 152, C replaced by G.
Protein change: p.Ala51Gly; replaces alanine 51 with glycine.
Molecular consequence: missense variant.
Genome position (GRCh38, 1-based): chr7:25,123,968, G>C on the plus strand (C>G on the coding strand, the complement: CYCS is on the minus strand). VCF-style: chr7-25123968-G-C. GRCh37 (hg19) VCF-style: chr7-25163587-G-C.
Other names: short protein forms A51G.
Identifiers: ClinVar variation 3649582 (VCV003649582.2).
Genomic context (GRCh38, chr7:25,123,968, plus strand): 5'-ATTCCTGCATTTTGTGTTGTTTTATTTAACAAGTGACTCTTACCTTTGTTCTTATTGGCG[G>C]CTGTGTAAGAGTATCCAGGGGCCTGACCTGTCTTCCGCCCAAAGAGACCATGGAGATTTG-3'
Protein context (NP_061820.1, residues 41-61): TGQAPGYSYT[Ala51Gly]ANKNKGIIWG